The following is an entry in ClinVar:

ClinVar aggregate classification (germline): Uncertain significance. Review status: criteria provided, multiple submitters, no conflicts (2 of 4 stars). 2 submissions from 2 submitters: Uncertain significance (2). Last evaluated 2025-12-31.

Conditions:
Autosomal recessive severe congenital neutropenia due to CSF3R deficiency. Also called: Neutropenia, severe congenital, 7, autosomal recessive. Identifiers: Orphanet 420702, MedGen C4310764, MONDO:0014865, OMIM 617014.
Inborn genetic diseases. Identifiers: MedGen C0950123, MeSH D030342.

Allele frequency attached by ClinVar (database versions not stated): TOPMed 0.00001.
gnomAD v4.1: 4 of 1,614,096 alleles (0.00025%); highest among the groups gnomAD compares: Non-Finnish European, 0.00034%; no homozygotes.

Submissions (2):

Labcorp Genetics (formerly Invitae), Labcorp
Classification: Uncertain significance for Autosomal recessive severe congenital neutropenia due to CSF3R deficiency. Last evaluated: 2025-12-31. Review status: criteria provided, single submitter. Criteria: Invitae Variant Classification Sherloc (09022015). Collection method: clinical testing. Allele origin: germline.
Comment: This sequence change replaces threonine, which is neutral and polar, with asparagine, which is neutral and polar, at codon 304 of the CSF3R protein (p.Thr304Asn). This variant is not present in population databases (gnomAD no frequency). This variant has not been reported in the literature in individuals affected with CSF3R-related conditions. ClinVar contains an entry for this variant (Variation ID: 650233). Invitae Evidence Modeling of protein sequence and biophysical properties (such as structural, functional, and spatial information, amino acid conservation, physicochemical variation, residue mobility, and thermodynamic stability) indicates that this missense variant is not expected to disrupt CSF3R protein function with a negative predictive value of 80%. In summary, the available evidence is currently insufficient to determine the role of this variant in disease. Therefore, it has been classified as a Variant of Uncertain Significance.

Ambry Genetics
Classification: Uncertain significance for Inborn genetic diseases. Last evaluated: 2024-12-03. Review status: criteria provided, single submitter. Criteria: Ambry Variant Classification Scheme 2023. Collection method: clinical testing. Allele origin: germline.

NM_000760.4(CSF3R):c.911C>A (p.Thr304Asn)

Gene: CSF3R (colony stimulating factor 3 receptor; minus strand). Cytogenetic location: 1p34.3.
Variant type: single nucleotide variant.
Coding change: c.911C>A on transcript NM_000760.4 (MANE Select); coding-DNA position 911, C replaced by A.
Protein change: p.Thr304Asn; replaces threonine 304 with asparagine.
Molecular consequence: missense variant.
Genome position (GRCh38, 1-based): chr1:36,472,324, G>T on the plus strand (C>A on the coding strand, the complement: CSF3R is on the minus strand). VCF-style: chr1-36472324-G-T. GRCh37 (hg19) VCF-style: chr1-36937925-G-T.
Other names: c.911C>A, p.Thr304Asn (LRG_144t1, NM_156039.3, NM_172313.3); short protein forms T304N.
Identifiers: ClinVar variation 650233 (VCV000650233.9), dbSNP rs201991840, ClinGen allele CA339422405.